The following is an entry in ClinVar:

NM_016507.4(CDK12):c.1610C>T (p.Pro537Leu)

Gene: CDK12 (cyclin dependent kinase 12; plus strand). Cytogenetic location: 17q12.
Variant type: single nucleotide variant.
Coding change: c.1610C>T on transcript NM_016507.4 (MANE Select); coding-DNA position 1610, C replaced by T.
Protein change: p.Pro537Leu; replaces proline 537 with leucine.
Molecular consequence: missense variant.
Genome position (GRCh38, 1-based): chr17:39,471,442, C>T. VCF-style: chr17-39471442-C-T. GRCh37 (hg19) VCF-style: chr17-37627695-C-T.
Other names: c.1610C>T, p.Pro537Leu (NM_015083.4); short protein forms P537L.
Identifiers: ClinVar variation 3999294 (VCV003999294.1).

ClinVar aggregate classification (germline): Uncertain significance (1 of 4 stars; one submission).

Submission:

Ambry Genetics
Classification: Uncertain significance. Last evaluated: 2025-03-30. Review status: criteria provided, single submitter. Criteria: Ambry Variant Classification Scheme 2023. Collection method: clinical testing. Allele origin: germline.
Comment: The p.P537L variant (also known as c.1610C>T), located in coding exon 2 of the CDK12 gene, results from a C to T substitution at nucleotide position 1610. The proline at codon 537 is replaced by leucine, an amino acid with similar properties. This amino acid position is conserved. In addition, this alteration is predicted to be tolerated by in silico analysis. Based on the available evidence, the clinical significance of this variant remains unclear.